The following is an entry in ClinVar:

ClinVar aggregate classification (germline): Uncertain significance. Review status: criteria provided, multiple submitters, no conflicts (2 of 4 stars). 7 submissions from 7 submitters: Uncertain significance (6). 1 of the submissions does not count toward it. Last evaluated 2026-10-14.

Conditions:
Cardiovascular phenotype. Identifiers: MedGen CN230736.
Alstrom syndrome (ALMS). Identifiers: Orphanet 64, MedGen C0268425, MONDO:0008763, OMIM 203800.

Allele frequency attached by ClinVar (database versions not stated): ExAC 0.00005; gnomAD exomes 0.00002 and 0.00004; gnomAD 0.00013 and 0.00015; 1000 Genomes Project 0.00020; ESP Exome Variant Server 0.00025; 1000 Genomes Project 30x 0.00031; TOPMed 0.00018.
gnomAD v4.1: 57 of 1,613,980 alleles (0.0035%); highest among the groups gnomAD compares: African/African-American, 0.069%; no homozygotes.

Submissions (7):

GeneDx
Classification: Uncertain significance. Last evaluated: 2026-10-14. Review status: criteria provided, single submitter. Criteria: GeneDx Variant Classification Process June 2021. Collection method: clinical testing. Allele origin: germline.
Comment: In silico analysis suggests that this missense variant does not alter protein structure/function; Has not been previously published as pathogenic or benign to our knowledge

Ambry Genetics
Classification: Uncertain significance for Cardiovascular phenotype. Last evaluated: 2025-06-17. Review status: criteria provided, single submitter. Criteria: Ambry Variant Classification Scheme 2023. Collection method: clinical testing. Allele origin: germline.
Comment: The p.N2272S variant (also known as c.6815A>G), located in coding exon 8 of the ALMS1 gene, results from an A to G substitution at nucleotide position 6815. The asparagine at codon 2272 is replaced by serine, an amino acid with highly similar properties. This amino acid position is well conserved in available vertebrate species. In addition, this alteration is predicted to be tolerated by in silico analysis. Since supporting evidence is limited at this time, the clinical significance of this alteration remains unclear.

Labcorp Genetics (formerly Invitae), Labcorp
Classification: Uncertain significance for Alstrom syndrome. Last evaluated: 2024-12-28. Review status: criteria provided, single submitter. Criteria: Invitae Variant Classification Sherloc (09022015). Collection method: clinical testing. Allele origin: germline.
Comment: This sequence change replaces asparagine, which is neutral and polar, with serine, which is neutral and polar, at codon 2272 of the ALMS1 protein (p.Asn2272Ser). This variant is present in population databases (rs111659663, gnomAD 0.04%). This variant has not been reported in the literature in individuals affected with ALMS1-related conditions. ClinVar contains an entry for this variant (Variation ID: 1201259). Experimental studies and prediction algorithms are not available or were not evaluated, and the functional significance of this variant is currently unknown. In summary, the available evidence is currently insufficient to determine the role of this variant in disease. Therefore, it has been classified as a Variant of Uncertain Significance.

Women's Health and Genetics/Laboratory Corporation of America, LabCorp
Classification: Uncertain significance. Last evaluated: 2024-12-13. Review status: criteria provided, single submitter. Criteria: LabCorp Variant Classification Summary - May 2015. Collection method: clinical testing. Allele origin: germline.
Comment: Variant summary: ALMS1 c.6809A>G (p.Asn2270Ser) results in a conservative amino acid change in the encoded protein sequence. Four of five in-silico tools predict a benign effect of the variant on protein function. The variant allele was found at a frequency of 3.6e-05 in 248542 control chromosomes, predominantly at a frequency of 0.00052 within the African or African-American subpopulation in the gnomAD database. The available data on variant occurrences in the general population are insufficient to allow any conclusion about variant significance. To our knowledge, no occurrence of c.6809A>G in individuals affected with Alstrom Syndrome and no experimental evidence demonstrating its impact on protein function have been reported. ClinVar contains an entry for this variant (Variation ID: 1201259). Based on the evidence outlined above, the variant was classified as uncertain significance.

Blueprint Genetics
Classification: Uncertain significance. Last evaluated: 2023-06-16. Review status: criteria provided, single submitter. Criteria: ACMG Guidelines, 2015. Collection method: clinical testing. Allele origin: germline.

Fulgent Genetics
Classification: Uncertain significance for Alstrom syndrome. Last evaluated: 2022-04-27. Review status: criteria provided, single submitter. Criteria: ACMG Guidelines, 2015. Collection method: clinical testing. Allele origin: unknown.

Natera, Inc.
Classification: Uncertain significance for Alstrom syndrome. Last evaluated: 2021-06-30. Review status: no assertion criteria provided. Collection method: clinical testing. Allele origin: germline. Not counted in ClinVar's aggregate classification.

NM_001378454.1(ALMS1):c.6812A>G (p.Asn2271Ser)

Gene: ALMS1 (ALMS1 centrosome and basal body associated protein; plus strand). Cytogenetic location: 2p13.1.
Variant type: single nucleotide variant.
Coding change: c.6812A>G on transcript NM_001378454.1 (MANE Select); coding-DNA position 6812, A replaced by G.
Protein change: p.Asn2271Ser; replaces asparagine 2271 with serine.
Molecular consequence: missense variant.
Genome position (GRCh38, 1-based): chr2:73,453,339, A>G. VCF-style: chr2-73453339-A-G. GRCh37 (hg19) VCF-style: chr2-73680466-A-G.
Other names: c.6815A>G, p.Asn2272Ser (NM_015120.4); short protein forms N2271S, N2272S.
Identifiers: ClinVar variation 1201259 (VCV001201259.20), dbSNP rs111659663, ClinGen allele CA1714128.